The following is an entry in ClinVar:

NM_006164.5(NFE2L2):c.809C>T (p.Ser270Leu)

Gene: NFE2L2 (NFE2 like bZIP transcription factor 2; minus strand). Cytogenetic location: 2q31.2.
Variant type: single nucleotide variant.
Coding change: c.809C>T on transcript NM_006164.5 (MANE Select); coding-DNA position 809, C replaced by T.
Protein change: p.Ser270Leu; replaces serine 270 with leucine.
Molecular consequence: missense variant.
Genome position (GRCh38, 1-based): chr2:177,231,794, G>A on the plus strand (C>T on the coding strand, the complement: NFE2L2 is on the minus strand). VCF-style: chr2-177231794-G-A. GRCh37 (hg19) VCF-style: chr2-178096522-G-A.
Other names: c.809C>T (NM_006164.3); c.761C>T, p.Ser254Leu (NM_001145412.3, NM_001313900.1, NM_001313901.1); c.740C>T, p.Ser247Leu (NM_001145413.3); c.719C>T, p.Ser240Leu (NM_001313902.2); c.590C>T, p.Ser197Leu (NM_001313903.2); c.509C>T, p.Ser170Leu (NM_001313904.1); short protein forms S240L, S270L, S170L, S247L, S197L, S254L.
Identifiers: ClinVar variation 1431962 (VCV001431962.7), dbSNP rs778033173, ClinGen allele CA1979790.

ClinVar aggregate classification (germline): Uncertain significance. Review status: criteria provided, multiple submitters, no conflicts (2 of 4 stars). 2 submissions from 2 submitters: Uncertain significance (2). Last evaluated 2024-08-28.

Allele frequency attached by ClinVar (database versions not stated): gnomAD 0.00004 and 0.00003; gnomAD exomes 0.00004 and 0.00002; TOPMed 0.00004; ExAC 0.00002.
gnomAD v4.1: 68 of 1,614,120 alleles (0.0042%); highest among the groups gnomAD compares: Non-Finnish European, 0.0053%; no homozygotes.

Submissions (2):

Labcorp Genetics (formerly Invitae), Labcorp
Classification: Uncertain significance. Last evaluated: 2024-08-28. Review status: criteria provided, single submitter. Criteria: Invitae Variant Classification Sherloc (09022015). Collection method: clinical testing. Allele origin: germline.
Comment: This sequence change replaces serine, which is neutral and polar, with leucine, which is neutral and non-polar, at codon 270 of the NFE2L2 protein (p.Ser270Leu). This variant is present in population databases (rs778033173, gnomAD 0.005%). This variant has not been reported in the literature in individuals affected with NFE2L2-related conditions. ClinVar contains an entry for this variant (Variation ID: 1431962). Invitae Evidence Modeling of protein sequence and biophysical properties (such as structural, functional, and spatial information, amino acid conservation, physicochemical variation, residue mobility, and thermodynamic stability) indicates that this missense variant is not expected to disrupt NFE2L2 protein function with a negative predictive value of 80%. In summary, the available evidence is currently insufficient to determine the role of this variant in disease. Therefore, it has been classified as a Variant of Uncertain Significance.

Ambry Genetics
Classification: Uncertain significance. Last evaluated: 2024-03-01. Review status: criteria provided, single submitter. Criteria: Ambry Variant Classification Scheme 2023. Collection method: clinical testing. Allele origin: germline.